The following is an entry in ClinVar:

ClinVar aggregate classification (germline): Benign/Likely benign. Review status: criteria provided, multiple submitters, no conflicts (2 of 4 stars). 10 submissions from 8 submitters: Benign (3); Likely benign (1). 6 of the submissions do not count toward it. Last evaluated 2026-02-04.

Conditions:
NPC1-related disorder. Also called: NPC1-related condition.
Niemann-Pick disease, type C1. Also called: NIEMANN-PICK DISEASE, VARIANT TYPE C1; NEUROVISCERAL STORAGE DISEASE WITH VERTICAL SUPRANUCLEAR OPHTHALMOPLEGIA; NIEMANN-PICK DISEASE WITH CHOLESTEROL ESTERIFICATION BLOCK; NIEMANN-PICK DISEASE WITHOUT SPHINGOMYELINASE DEFICIENCY; NIEMANN-PICK DISEASE, CHRONIC NEURONOPATHIC FORM. Identifiers: Orphanet 646, MedGen C3179455, MONDO:0009757, OMIM 257220.

Submissions (10):

Labcorp Genetics (formerly Invitae), Labcorp
Classification: Benign for Niemann-Pick disease, type C1. Last evaluated: 2026-02-04. Review status: criteria provided, single submitter. Criteria: Invitae Variant Classification Sherloc (09022015). Collection method: clinical testing. Allele origin: germline.

Mayo Clinic Laboratories, Mayo Clinic
Classification: Likely benign. Last evaluated: 2025-10-03. Review status: criteria provided, single submitter. Criteria: ACMG Guidelines, 2015. Collection method: clinical testing. Allele origin: germline. Observed: 80 variant alleles.
Comment: BP4, BP7

Genome Diagnostics Laboratory, University Medical Center Utrecht
Classification: Benign for Niemann-Pick disease, type C1. Last evaluated: 2016-10-19. Review status: criteria provided, single submitter. Criteria: ACGS Guidelines, 2013. Collection method: clinical testing. Allele origin: germline. Affected: yes. Study: VKGL Data-share Consensus.

GeneDx
Classification: Benign. Last evaluated: 2016-06-13. Review status: criteria provided, single submitter. Criteria: GeneDx Variant Classification (06012015). Collection method: clinical testing. Allele origin: germline. Affected: yes.
Comment: This variant is considered likely benign or benign based on one or more of the following criteria: it is a conservative change, it occurs at a poorly conserved position in the protein, it is predicted to be benign by multiple in silico algorithms, and/or has population frequency not consistent with disease.

PreventionGenetics, part of Exact Sciences
Classification: Likely benign for NPC1-related condition. Last evaluated: 2021-03-05. Review status: no assertion criteria provided. Collection method: clinical testing. Allele origin: germline. Not counted in ClinVar's aggregate classification.
Comment: This variant is classified as likely benign based on ACMG/AMP sequence variant interpretation guidelines (Richards et al. 2015 PMID: 25741868, with internal and published modifications).

Genome Diagnostics Laboratory, Amsterdam University Medical Center
Classification: Likely benign for Niemann-Pick disease, type C1. Last evaluated: 2016-07-14. Review status: no assertion criteria provided. Criteria: ACGS Guidelines, 2013. Collection method: clinical testing. Allele origin: germline. Affected: yes. Study: VKGL Data-share Consensus. Not counted in ClinVar's aggregate classification.

Clinical Genetics, Academic Medical Center
Classification: Likely benign. Review status: no assertion criteria provided. Collection method: clinical testing. Allele origin: germline. Affected: yes. Study: VKGL Data-share Consensus. Not counted in ClinVar's aggregate classification.

Diagnostic Laboratory, Department of Genetics, University Medical Center Groningen
Classification: Benign. Review status: no assertion criteria provided. Collection method: clinical testing. Allele origin: germline. Affected: yes. Study: VKGL Data-share Consensus. Not counted in ClinVar's aggregate classification.

Genome Diagnostics Laboratory, Amsterdam University Medical Center
Classification: Benign. Review status: no assertion criteria provided. Collection method: clinical testing. Allele origin: germline. Affected: yes. Study: VKGL Data-share Consensus. Not counted in ClinVar's aggregate classification.

Genome Diagnostics Laboratory, University Medical Center Utrecht
Classification: Benign. Review status: no assertion criteria provided. Collection method: clinical testing. Allele origin: germline. Affected: yes. Study: VKGL Data-share Consensus. Not counted in ClinVar's aggregate classification.

NM_000271.5(NPC1):c.1947+8_1947+10dup

Gene: NPC1 (NPC intracellular cholesterol transporter 1; minus strand). Cytogenetic location: 18q11.2.
Variant type: Duplication.
Coding change: c.1947+8_1947+10dup on transcript NM_000271.5 (MANE Select); bases 8 to 10 of the intron after coding-DNA position 1947, 3 bases duplicated (GGG; older notation c.1947+8_1947+10dupGGG).
Molecular consequence: intron variant.
Genome position (GRCh38, 1-based): chr18:23,544,944-23,544,946, CCC duplicated on the plus strand (GGG on the coding strand, the reverse complement: NPC1 is on the minus strand); duplicating any 3 consecutive bases within chr18:23,544,944-23,544,952 gives the same sequence; the c. name uses the placement nearest the transcript's 3' end. VCF-style (leftmost placement, unchanged base first): chr18-23544943-A-ACCC. GRCh37 (hg19) VCF-style: chr18-21124907-A-ACCC.
Other names: p.?; c.1947+14_1947+16dup (NM_000271.5).
Identifiers: ClinVar variation 418387 (VCV000418387.21), dbSNP rs3837910, ClinGen allele CA16620668.